The following is an entry in ClinVar:

NM_003701.4(TNFSF11):c.396A>G (p.Gln132=)

Genes: TNFSF11 (TNF superfamily member 11; plus strand), LOC126861753 (P300/CBP strongly-dependent group 1 enhancer GRCh37_chr13:43174688-43175887; plus strand). Cytogenetic location: 13q14.11.
Variant type: single nucleotide variant.
Coding change: c.396A>G on transcript NM_003701.4 (MANE Select); coding-DNA position 396, A replaced by G.
Protein change: p.Gln132=; no amino-acid change (glutamine 132 retained).
Molecular consequence: synonymous variant.
Genome position (GRCh38, 1-based): chr13:42,600,760, A>G. VCF-style: chr13-42600760-A-G. GRCh37 (hg19) VCF-style: chr13-43174896-A-G.
Other names: c.177A>G, p.Gln59= (NM_033012.4).
Identifiers: ClinVar variation 716176 (VCV000716176.20), dbSNP rs34151971, ClinGen allele CA6967208.

ClinVar aggregate classification (germline): Benign. Review status: criteria provided, multiple submitters, no conflicts (2 of 4 stars). 4 submissions from 4 submitters: Benign (4). Last evaluated 2026-01-31.

Conditions:
Disorder of bone. Also called: Rare bone disease related to a common gene or pathway defect; Bone disease; Bone disorder. Identifiers: Orphanet 364803, MedGen C0005940, MONDO:0005381.
Autosomal recessive osteopetrosis 2. Also called: OSTEOPETROSIS, MILD AUTOSOMAL RECESSIVE FORM. Identifiers: Orphanet 667, MedGen C1850126, MONDO:0009816, OMIM 259710.

Allele frequency attached by ClinVar (database versions not stated): gnomAD exomes 0.00188; ExAC 0.00248; 1000 Genomes Project 30x 0.00750; gnomAD 0.00782 and 0.00843; 1000 Genomes Project 0.00799; TOPMed 0.00924; ESP Exome Variant Server 0.01030.
gnomAD v4.1: 2,343 of 1,613,962 alleles (0.15%); highest among the groups gnomAD compares: African/African-American, 2.6%; 38 homozygotes.

Submissions (8):

Labcorp Genetics (formerly Invitae), Labcorp
Classification: Benign. Last evaluated: 2026-01-31. Review status: criteria provided, single submitter. Criteria: Invitae Variant Classification Sherloc (09022015). Collection method: clinical testing. Allele origin: germline.

Genome Diagnostics Laboratory, The Hospital for Sick Children
Classification: Benign for Disorder of bone. Last evaluated: 2021-01-13. Review status: criteria provided, single submitter. Criteria: ACMG Guidelines, 2015. Collection method: clinical testing. Allele origin: germline. Affected: yes.
Comment: This synonymous variant is classified as Benign (ACMG criteria - BS1, BS2, BP6, BP4, BP7)

Illumina Laboratory Services, Illumina
Classification: Benign for Autosomal recessive osteopetrosis 2. Last evaluated: 2017-04-27. Review status: criteria provided, single submitter. Criteria: ICSL Variant Classification Criteria 13 December 2019. Collection method: clinical testing. Allele origin: germline.
Comment: This variant was observed as part of a predisposition screen in an ostensibly healthy population. A literature search was performed for the gene, cDNA change, and amino acid change (where applicable). No publications were found based on this search. Allele frequency data from public databases was too high to be consistent with this variant causing disease. Therefore, this variant is classified as benign.

Breakthrough Genomics
Classification: Benign. Review status: criteria provided, single submitter. Criteria: ACMG Guidelines, 2015. Collection method: not provided. Allele origin: germline. Inheritance: Autosomal recessive inheritance. Affected: yes.

Dr. Peter K. Rogan Lab, Western University
No classification provided (evidence only). Condition: Lung cancer. Review status: no classification provided. Collection method: in vitro. Allele origin: not applicable. Functional consequence: retained intron. Not counted in ClinVar's aggregate classification.

Dr. Peter K. Rogan Lab, Western University
No classification provided (evidence only). Condition: Uterine corpus endometrial carcinoma. Review status: no classification provided. Collection method: in vitro. Allele origin: not applicable. Functional consequence: retained intron. Not counted in ClinVar's aggregate classification.

Dr. Peter K. Rogan Lab, Western University
No classification provided (evidence only). Condition: Uterine corpus endometrial carcinoma. Review status: no classification provided. Collection method: in vitro. Allele origin: not applicable. Functional consequence: retained intron. Not counted in ClinVar's aggregate classification.

Dr. Peter K. Rogan Lab, Western University
No classification provided (evidence only). Condition: Ovarian serous cystadenocarcinoma. Review status: no classification provided. Collection method: in vitro. Allele origin: not applicable. Functional consequence: retained intron. Not counted in ClinVar's aggregate classification.